The following is an entry in ClinVar:

ClinVar aggregate classification (germline): Uncertain significance (1 of 4 stars; one submission).

Conditions:
Emery-Dreifuss muscular dystrophy 5, autosomal dominant (EDMD5). Also called: EMERY-DREIFUSS MUSCULAR DYSTROPHY 5. Identifiers: Orphanet 261, MedGen C2751805, MONDO:0013072, OMIM 612999.

gnomAD v4.1: 11 of 1,613,644 alleles (0.00068%); highest among the groups gnomAD compares: Non-Finnish European, 0.00093%; no homozygotes.

Submission:

Labcorp Genetics (formerly Invitae), Labcorp
Classification: Uncertain significance for Emery-Dreifuss muscular dystrophy 5, autosomal dominant. Last evaluated: 2025-11-18. Review status: criteria provided, single submitter. Criteria: Invitae Variant Classification Sherloc (09022015). Collection method: clinical testing. Allele origin: germline.
Comment: This sequence change replaces glutamic acid, which is acidic and polar, with lysine, which is basic and polar, at codon 5663 of the SYNE2 protein (p.Glu5663Lys). This variant is not present in population databases (gnomAD no frequency). This variant has not been reported in the literature in individuals affected with SYNE2-related conditions. An algorithm developed to predict the effect of missense changes on protein structure and function (PolyPhen-2) suggests that this variant is likely to be disruptive. In summary, the available evidence is currently insufficient to determine the role of this variant in disease. Therefore, it has been classified as a Variant of Uncertain Significance.

NM_182914.3(SYNE2):c.16987G>A (p.Glu5663Lys)

Gene: SYNE2 (spectrin repeat containing nuclear envelope protein 2; plus strand). Cytogenetic location: 14q23.2.
Variant type: single nucleotide variant.
Coding change: c.16987G>A on transcript NM_182914.3 (MANE Select); coding-DNA position 16987, G replaced by A.
Protein change: p.Glu5663Lys; replaces glutamic acid 5663 with lysine.
Molecular consequence: missense variant.
Genome position (GRCh38, 1-based): chr14:64,168,958, G>A. VCF-style: chr14-64168958-G-A. GRCh37 (hg19) VCF-style: chr14-64635676-G-A.
Other names: c.16987G>A, p.Glu5663Lys (NM_015180.6); short protein forms E5663K.
Identifiers: ClinVar variation 4777902 (VCV004777902.1).